The following is an entry in ClinVar:

ClinVar aggregate classification (germline): Uncertain significance (1 of 4 stars; one submission).

Conditions:
Cardiovascular phenotype. Identifiers: MedGen CN230736.

Submission:

Ambry Genetics
Classification: Uncertain significance for Cardiovascular phenotype. Last evaluated: 2022-03-04. Review status: criteria provided, single submitter. Criteria: Ambry Variant Classification Scheme 2023. Collection method: clinical testing. Allele origin: germline.
Comment: The p.S92G variant (also known as c.274A>G), located in coding exon 2 of the TBX1 gene, results from an A to G substitution at nucleotide position 274. The serine at codon 92 is replaced by glycine, an amino acid with similar properties. This amino acid position is conserved. In addition, this alteration is predicted to be tolerated by in silico analysis. Since supporting evidence is limited at this time, the clinical significance of this alteration remains unclear.

NM_001379200.1(TBX1):c.301A>G (p.Ser101Gly)

Gene: TBX1 (T-box transcription factor 1; plus strand). Cytogenetic location: 22q11.21.
Variant type: single nucleotide variant.
Coding change: c.301A>G on transcript NM_001379200.1 (MANE Select); coding-DNA position 301, A replaced by G.
Protein change: p.Ser101Gly; replaces serine 101 with glycine.
Molecular consequence: missense variant.
Genome position (GRCh38, 1-based): chr22:19,761,144, A>G. VCF-style: chr22-19761144-A-G. GRCh37 (hg19) VCF-style: chr22-19748667-A-G.
Other names: c.274A>G, p.Ser92Gly (NM_005992.1, NM_080646.2, NM_080647.1); short protein forms S101G, S92G.
Identifiers: ClinVar variation 1795521 (VCV001795521.2), dbSNP rs2145828368, ClinGen allele CA410681565.